The following is an entry in ClinVar:

NM_000059.4(BRCA2):c.6886A>G (p.Ile2296Val)

Gene: BRCA2 (BRCA2 DNA repair associated; plus strand). Cytogenetic location: 13q13.1.
Variant type: single nucleotide variant.
Coding change: c.6886A>G on transcript NM_000059.4 (MANE Select); coding-DNA position 6886, A replaced by G.
Protein change: p.Ile2296Val; replaces isoleucine 2296 with valine.
Molecular consequence: missense variant.
Genome position (GRCh38, 1-based): chr13:32,344,602, A>G. VCF-style: chr13-32344602-A-G. GRCh37 (hg19) VCF-style: chr13-32918739-A-G.
Other names: short protein forms I2296V.
Identifiers: ClinVar variation 441485 (VCV000441485.5), dbSNP rs576279166, ClinGen allele CA387792786.

ClinVar aggregate classification (germline): Uncertain significance (1 of 4 stars; one submission).

Conditions:
Hereditary cancer-predisposing syndrome. Also called: Hereditary Cancer Syndrome; Hereditary neoplastic syndrome; Neoplastic Syndromes, Hereditary; Tumor predisposition. Identifiers: Orphanet 140162, MedGen C0027672, MeSH D009386, MONDO:0015356.

Submission:

Ambry Genetics
Classification: Uncertain significance for Hereditary cancer-predisposing syndrome. Last evaluated: 2016-10-27. Review status: criteria provided, single submitter. Criteria: Ambry Variant Classification Scheme 2023. Collection method: clinical testing. Allele origin: germline.
Comment: The p.I2296V variant (also known as c.6886A>G), located in coding exon 11 of the BRCA2 gene, results from an A to G substitution at nucleotide position 6886. The isoleucine at codon 2296 is replaced by valine, an amino acid with highly similar properties. This variant was not reported in population based cohorts in the following databases: Database of Single Nucleotide Polymorphisms (dbSNP), NHLBI Exome Sequencing Project (ESP), and 1000 Genomes Project. In the ESP, this variant was not observed in 6480 samples (12960 alleles) with coverage at this position. To date, this alteration has been detected with an allele frequency of approximately 0.0003% (greater than 300000 alleles tested) in our clinical cohort. This amino acid position is not well conserved in available vertebrate species. In addition, the in silico prediction for this alteration is inconclusive. Since supporting evidence is limited at this time, the clinical significance of this alteration remains unclear.